The following is an entry in ClinVar:

ClinVar aggregate classification (germline): Pathogenic (1 of 4 stars; one submission).

Conditions:
Spastic paraplegia. Identifiers: MedGen C0037772, HP:0001258.

Submission:

Labcorp Genetics (formerly Invitae), Labcorp
Classification: Pathogenic for Spastic paraplegia. Last evaluated: 2021-05-18. Review status: criteria provided, single submitter. Criteria: Invitae Variant Classification Sherloc (09022015). Collection method: clinical testing. Allele origin: germline.
Comment: This sequence change creates a premature translational stop signal (p.Ile761Phefs*33) in the SACS gene. While this is not anticipated to result in nonsense mediated decay, it is expected to disrupt the last 3819 amino acid(s) of the SACS protein. This variant is not present in population databases (ExAC no frequency). For these reasons, this variant has been classified as Pathogenic. This variant disrupts the C-terminus of the SACS protein. Other variant(s) that disrupt this region (p.Tyr4538*) have been determined to be pathogenic (Invitae). This suggests that variants that disrupt this region of the protein are likely to be causative of disease. This variant has not been reported in the literature in individuals with SACS-related conditions.

NM_014363.6(SACS):c.2281_2284del (p.Ile761fs)

Gene: SACS (sacsin molecular chaperone; minus strand). Cytogenetic location: 13q12.12.
Variant type: Microsatellite.
Coding change: c.2281_2284del on transcript NM_014363.6 (MANE Select); coding-DNA positions 2281 to 2284, 4 bases deleted (ATTG; older notation c.2281_2284delATTG).
Protein change: p.Ile761fs; shifts the reading frame from isoleucine 761.
Molecular consequence: frameshift variant.
Genome position (GRCh38, 1-based): chr13:23,341,592-23,341,595, CAAT deleted on the plus strand (ATTG on the coding strand, the reverse complement: SACS is on the minus strand); deleting any 4 consecutive bases within chr13:23,341,592-23,341,599 gives the same sequence; the c. name uses the placement nearest the transcript's 3' end. VCF-style (leftmost placement, unchanged base first): chr13-23341591-ACAAT-A. GRCh37 (hg19) VCF-style: chr13-23915730-ACAAT-A.
Other names: c.1840_1843del, p.Ile614fs (NM_001278055.2); short protein forms I614fs, I761fs.
Identifiers: ClinVar variation 1452890 (VCV001452890.8), dbSNP rs2137645390, ClinGen allele CA2580614737.